The following is an entry in ClinVar:

NM_033124.5(DRC2):c.913C>T (p.Arg305Ter)

Gene: DRC2 (dynein regulatory complex subunit 2; plus strand). Cytogenetic location: 12q13.12.
Variant type: single nucleotide variant.
Coding change: c.913C>T on transcript NM_033124.5 (MANE Select); coding-DNA position 913, C replaced by T.
Protein change: p.Arg305Ter; replaces arginine 305 with a stop codon.
Molecular consequence: nonsense.
Genome position (GRCh38, 1-based): chr12:48,918,790, C>T. VCF-style: chr12-48918790-C-T. GRCh37 (hg19) VCF-style: chr12-49312573-C-T.
Other names: c.484C>T, p.Arg162Ter (NM_001286957.2); c.913C>T (NM_033124.4); short protein forms R162*, R305*.
Identifiers: ClinVar variation 2166194 (VCV002166194.7), dbSNP rs759186574, ClinGen allele CA6543372.

ClinVar aggregate classification (germline): Conflicting classifications of pathogenicity. Review status: criteria provided, conflicting classifications (1 of 4 stars). 3 submissions from 3 submitters: Pathogenic (2); Uncertain significance (1). Last evaluated 2026-02-26.

Conditions:
Primary ciliary dyskinesia 27. Also called: CILIARY DYSKINESIA, PRIMARY, 27, WITHOUT SITUS INVERSUS. Identifiers: Orphanet 244, MedGen C3809701, MONDO:0014215, OMIM 615504.
Respiratory ciliopathies including non-CF bronchiectasis.

Allele frequency attached by ClinVar (database versions not stated): TOPMed 0.00001; ExAC 0.00001.
gnomAD v4.1: 12 of 1,614,074 alleles (0.00074%); highest among the groups gnomAD compares: South Asian, 0.0088%; no homozygotes.

Submissions (3):

NHS Central & South Genomic Laboratory Hub
Classification: Pathogenic for Respiratory ciliopathies including non-CF bronchiectasis. Last evaluated: 2026-02-26. Review status: criteria provided, single submitter. Criteria: ACMG Guidelines, 2015. Collection method: clinical testing. Allele origin: germline. Affected: yes.

Revvity Omics, Revvity
Classification: Uncertain significance for Primary ciliary dyskinesia 27. Last evaluated: 2023-11-08. Review status: criteria provided, single submitter. Criteria: ACMG Guidelines, 2015. Collection method: clinical testing. Allele origin: germline.

Labcorp Genetics (formerly Invitae), Labcorp
Classification: Pathogenic for Primary ciliary dyskinesia 27. Last evaluated: 2022-07-19. Review status: criteria provided, single submitter. Criteria: Invitae Variant Classification Sherloc (09022015). Collection method: clinical testing. Allele origin: germline.
Comment: This sequence change creates a premature translational stop signal (p.Arg305*) in the CCDC65 gene. It is expected to result in an absent or disrupted protein product. Loss-of-function variants in CCDC65 are known to be pathogenic (PMID: 23991085, 24094744). This variant is not present in population databases (gnomAD no frequency). This variant has not been reported in the literature in individuals affected with CCDC65-related conditions. For these reasons, this variant has been classified as Pathogenic.

Literature cited by the submitters: PubMed 23991085 (cited by Labcorp Genetics (formerly Invitae), Labcorp); PubMed 24094744 (cited by Labcorp Genetics (formerly Invitae), Labcorp).